The following is an entry in ClinVar:

NC_012920.1(MT-CYB):m.15272A>G

Gene: MT-CYB (mitochondrially encoded cytochrome b; plus strand).
Variant type: single nucleotide variant.
Genome position: chrM-15272-A-G.
Identifiers: ClinVar variation 693858 (VCV000693858.1), dbSNP rs1603225187, ClinGen allele CA913173414.
Genomic context (GRCh38, chrMT:15,272, plus strand): 5'-ATTGGGACAGACCTAGTTCAATGAATCTGAGGAGGCTACTCAGTAGACAGTCCCACCCTC[A>G]CACGATTCTTTACCTTTCACTTCATCTTGCCCTTCATTATTGCAGCCCTAGCAACACTCC-3'

ClinVar aggregate classification (germline): Benign (1 of 4 stars; one submission).

Conditions:
Leigh syndrome (NULS). Also called: Leigh's necrotizing encephalopathy; Leigh's disease; Leigh's syndrome; LEIGH SYNDROME, NUCLEAR; Leigh Syndrome (mtDNA deletion); Leigh Disease. Identifiers: Orphanet 506, MedGen C2931891, MONDO:0009723, OMIM 256000.

Submission:

Wong Mito Lab, Molecular and Human Genetics, Baylor College of Medicine
Classification: Benign for Leigh syndrome. Last evaluated: 2019-10-17. Review status: criteria provided, single submitter. Criteria: Modified ACMG Guidelines (Unpublished). Collection method: clinical testing. Allele origin: germline.
Comment: The NC_012920.1:m.15272A>G (YP_003024038.1:p.Thr176Ala) variant in MTCYB gene is interpretated to be a Benign variant based on the modified ACMG guidelines (unpublished). This variant meets the following evidence codes: BS1, BS2, BP4